The following is an entry in ClinVar:

ClinVar aggregate classification (germline): Uncertain significance (1 of 4 stars; one submission).

Submission:

GeneDx
Classification: Uncertain significance. Last evaluated: 2023-05-09. Review status: criteria provided, single submitter. Criteria: GeneDx Variant Classification Process June 2021. Collection method: clinical testing. Allele origin: germline. Affected: yes.
Comment: Not observed at significant frequency in large population cohorts (gnomAD); In silico analysis supports that this missense variant has a deleterious effect on protein structure/function; Has not been previously published as pathogenic or benign to our knowledge

NM_007118.4(TRIO):c.3930C>A (p.Asp1310Glu)

Gene: TRIO (trio Rho guanine nucleotide exchange factor; plus strand). Cytogenetic location: 5p15.2.
Variant type: single nucleotide variant.
Coding change: c.3930C>A on transcript NM_007118.4 (MANE Select); coding-DNA position 3930, C replaced by A.
Protein change: p.Asp1310Glu; replaces aspartic acid 1310 with glutamic acid.
Molecular consequence: missense variant. On other transcripts: non-coding transcript variant (1).
Genome position (GRCh38, 1-based): chr5:14,388,661, C>A. VCF-style: chr5-14388661-C-A. GRCh37 (hg19) VCF-style: chr5-14388770-C-A.
Other names: short protein forms D1310E.
Identifiers: ClinVar variation 2662225 (VCV002662225.1), dbSNP rs367865728, ClinGen allele CA359229007.